The following is an entry in ClinVar:

NM_001365276.2(TNXB):c.2741G>C (p.Arg914Pro)

Gene: TNXB (tenascin XB; minus strand). Cytogenetic location: 6p21.33.
Variant type: single nucleotide variant.
Coding change: c.2741G>C on transcript NM_001365276.2 (MANE Select); coding-DNA position 2741, G replaced by C.
Protein change: p.Arg914Pro; replaces arginine 914 with proline.
Molecular consequence: missense variant.
Genome position (GRCh38, 1-based): chr6:32,088,823, C>G on the plus strand (G>C on the coding strand, the complement: TNXB is on the minus strand). VCF-style: chr6-32088823-C-G. GRCh37 (hg19) VCF-style: chr6-32056600-C-G.
Other names: c.2741G>C, p.Arg914Pro (NM_001428335.1, NM_019105.8); short protein forms R914P.
Identifiers: ClinVar variation 3227258 (VCV003227258.1), dbSNP rs750782563, ClinGen allele CA3735418.

ClinVar aggregate classification (germline): Uncertain significance (1 of 4 stars; one submission).

Conditions:
Cardiovascular phenotype. Identifiers: MedGen CN230736.

gnomAD v4.1: 6 of 1,579,944 alleles (0.00038%); highest among the groups gnomAD compares: Admixed American, 0.0091%; no homozygotes.

Submission:

Ambry Genetics
Classification: Uncertain significance for Cardiovascular phenotype. Last evaluated: 2024-01-11. Review status: criteria provided, single submitter. Criteria: Ambry Variant Classification Scheme 2023. Collection method: clinical testing. Allele origin: germline.
Comment: The p.R914P variant (also known as c.2741G>C), located in coding exon 5 of the TNXB gene, results from a G to C substitution at nucleotide position 2741. The arginine at codon 914 is replaced by proline, an amino acid with dissimilar properties. This amino acid position is conserved. In addition, this alteration is predicted to be tolerated by in silico analysis. Since supporting evidence is limited at this time, the clinical significance of this alteration remains unclear.